The following is an entry in ClinVar:

ClinVar aggregate classification (germline): Uncertain significance (1 of 4 stars; one submission).

gnomAD v4.1: 1 of 1,614,030 alleles (0.000062%); highest among the groups gnomAD compares: South Asian, 0.0011%; no homozygotes.

Submission:

Labcorp Genetics (formerly Invitae), Labcorp
Classification: Uncertain significance. Last evaluated: 2025-11-03. Review status: criteria provided, single submitter. Criteria: Invitae Variant Classification Sherloc (09022015). Collection method: clinical testing. Allele origin: germline.
Comment: This sequence change replaces proline, which is neutral and non-polar, with alanine, which is neutral and non-polar, at codon 1857 of the CACNA1D protein (p.Pro1857Ala). This variant is not present in population databases (gnomAD no frequency). This variant has not been reported in the literature in individuals affected with CACNA1D-related conditions. ClinVar contains an entry for this variant (Variation ID: 1977398). An algorithm developed to predict the effect of missense changes on protein structure and function outputs the following: PolyPhen-2: "Benign". The alanine amino acid residue is found in multiple mammalian species, which suggests that this missense change does not adversely affect protein function. In summary, the available evidence is currently insufficient to determine the role of this variant in disease. Therefore, it has been classified as a Variant of Uncertain Significance.

NM_001128840.3(CACNA1D):c.5509C>G (p.Pro1837Ala)

Gene: CACNA1D (calcium voltage-gated channel subunit alpha1 D; plus strand). Cytogenetic location: 3p21.1.
Variant type: single nucleotide variant.
Coding change: c.5509C>G on transcript NM_001128840.3 (MANE Select); coding-DNA position 5509, C replaced by G.
Protein change: p.Pro1837Ala; replaces proline 1837 with alanine.
Molecular consequence: missense variant.
Genome position (GRCh38, 1-based): chr3:53,803,496, C>G. VCF-style: chr3-53803496-C-G. GRCh37 (hg19) VCF-style: chr3-53837523-C-G.
Other names: c.5569C>G, p.Pro1857Ala (NM_000720.4); c.5437C>G, p.Pro1813Ala (NM_001128839.3); short protein forms P1837A, P1857A, P1813A.
Identifiers: ClinVar variation 1977398 (VCV001977398.5), dbSNP rs770983383, ClinGen allele CA353253575.